The following is an entry in ClinVar:

ClinVar aggregate classification (germline): Pathogenic (1 of 4 stars; one submission).

Conditions:
Familial cancer of breast. Also called: BREAST CANCER, FAMILIAL; hereditary breast carcinoma; Hereditary breast cancer. Identifiers: Orphanet 227535, MedGen C0346153, MONDO:0016419, OMIM 114480. Disease mechanism: loss of function.

Submission:

MVZ Medizinische Genetik Mainz
Classification: Pathogenic for Familial cancer of breast. Last evaluated: 2024-10-02. Review status: criteria provided, single submitter. Criteria: UK Practice Guidelines For Variant Classification V4 01 2020. Collection method: clinical testing. Allele origin: germline. Inheritance: Autosomal dominant inheritance. Affected: yes. Observed: 1 variant allele.
Comment: ACMG Criteria: PVS1,PM2_SUP,PM5_SUP

NM_000051.4(ATM):c.4325_4326dup (p.His1443fs)

Gene: ATM (ATM serine/threonine kinase; plus strand). Cytogenetic location: 11q22.3.
Variant type: Microsatellite.
Coding change: c.4325_4326dup on transcript NM_000051.4 (MANE Select); coding-DNA positions 4325 to 4326, 2 bases duplicated (AT; older notation c.4325_4326dupAT).
Protein change: p.His1443fs; shifts the reading frame from histidine 1443.
Molecular consequence: frameshift variant.
Genome position (GRCh38, 1-based): chr11:108,289,690-108,289,691, AT duplicated; duplicating any 2 consecutive bases within chr11:108,289,686-108,289,691 gives the same sequence; the c. name uses the placement nearest the transcript's 3' end. VCF-style (leftmost placement, unchanged base first): chr11-108289685-A-AAT. GRCh37 (hg19) VCF-style: chr11-108160412-A-AAT.
Other names: c.4325_4326dup, p.His1443fs (NM_001351834.2); short protein forms H1443fs.
Identifiers: ClinVar variation 3370318 (VCV003370318.1).